The following is an entry in ClinVar:

ClinVar aggregate classification (germline): Uncertain significance (1 of 4 stars; one submission).

Conditions:
Charcot-Marie-Tooth disease type 2R. Also called: CHARCOT-MARIE-TOOTH DISEASE, AXONAL, AUTOSOMAL RECESSIVE, TYPE 2R; Charcot-Marie-Tooth disease, axonal, type 2R; CHARCOT-MARIE-TOOTH NEUROPATHY, TYPE 2R. Identifiers: Orphanet 397968, MedGen C3809655, MONDO:0014208, OMIM 615490.

Allele frequency attached by ClinVar (database versions not stated): gnomAD exomes below 0.00001.
gnomAD v4.1: 1 of 1,614,238 alleles (0.000062%); highest among the groups gnomAD compares: Non-Finnish European, 0.000085%; no homozygotes.

Submission:

Labcorp Genetics (formerly Invitae), Labcorp
Classification: Uncertain significance for Charcot-Marie-Tooth disease type 2R. Last evaluated: 2024-02-17. Review status: criteria provided, single submitter. Criteria: Invitae Variant Classification Sherloc (09022015). Collection method: clinical testing. Allele origin: germline.
Comment: This sequence change replaces isoleucine, which is neutral and non-polar, with valine, which is neutral and non-polar, at codon 589 of the TRIM2 protein (p.Ile589Val). This variant is not present in population databases (gnomAD no frequency). This variant has not been reported in the literature in individuals affected with TRIM2-related conditions. ClinVar contains an entry for this variant (Variation ID: 570927). An algorithm developed to predict the effect of missense changes on protein structure and function (PolyPhen-2) suggests that this variant is likely to be tolerated. In summary, the available evidence is currently insufficient to determine the role of this variant in disease. Therefore, it has been classified as a Variant of Uncertain Significance.

NM_015271.5(TRIM2):c.1846A>G (p.Ile616Val)

Gene: TRIM2 (tripartite motif containing 2; plus strand). Cytogenetic location: 4q31.3.
Variant type: single nucleotide variant.
Coding change: c.1846A>G on transcript NM_015271.5 (MANE Select); coding-DNA position 1846, A replaced by G.
Protein change: p.Ile616Val; replaces isoleucine 616 with valine.
Molecular consequence: missense variant.
Genome position (GRCh38, 1-based): chr4:153,322,711, A>G. VCF-style: chr4-153322711-A-G. GRCh37 (hg19) VCF-style: chr4-154243863-A-G.
Other names: c.1765A>G, p.Ile589Val (NM_001130067.2, NM_001351056.2); c.1819A>G, p.Ile607Val (NM_001351054.2); c.1816A>G, p.Ile606Val (NM_001351055.2); c.1390A>G, p.Ile464Val (NM_001351057.2); short protein forms I589V, I616V, I464V, I606V, I607V.
Identifiers: ClinVar variation 570927 (VCV000570927.8), dbSNP rs1561013892, ClinGen allele CA358469338.